The following is an entry in ClinVar:

ClinVar aggregate classification (germline): Uncertain significance (1 of 4 stars; one submission).

Conditions:
Inborn genetic diseases. Identifiers: MedGen C0950123, MeSH D030342.

gnomAD v4.1: 1 of 1,614,098 alleles (0.000062%); highest among the groups gnomAD compares: Non-Finnish European, 0.000085%; no homozygotes.

Submission:

Ambry Genetics
Classification: Uncertain significance for Inborn genetic diseases. Last evaluated: 2025-05-29. Review status: criteria provided, single submitter. Criteria: Ambry Variant Classification Scheme 2023. Collection method: clinical testing. Allele origin: germline.
Comment: The p.W298C variant (also known as c.894G>T), located in coding exon 3 of the SH2B3 gene, results from a G to T substitution at nucleotide position 894. The tryptophan at codon 298 is replaced by cysteine, an amino acid with highly dissimilar properties. This amino acid position is conserved. In addition, this alteration is predicted to be deleterious by in silico analysis. Based on the available evidence, the clinical significance of this variant remains unclear.

NM_005475.3(SH2B3):c.894G>T (p.Trp298Cys)

Gene: SH2B3 (SH2B adaptor protein 3; plus strand). Cytogenetic location: 12q24.12.
Variant type: single nucleotide variant.
Coding change: c.894G>T on transcript NM_005475.3 (MANE Select); coding-DNA position 894, G replaced by T.
Protein change: p.Trp298Cys; replaces tryptophan 298 with cysteine.
Molecular consequence: missense variant.
Genome position (GRCh38, 1-based): chr12:111,447,001, G>T. VCF-style: chr12-111447001-G-T. GRCh37 (hg19) VCF-style: chr12-111884805-G-T.
Other names: c.288G>T, p.Trp96Cys (NM_001291424.1); short protein forms W298C, W96C.
Identifiers: ClinVar variation 3953534 (VCV003953534.1).
Genomic context (GRCh38, chr12:111,447,001, plus strand): 5'-GGTGAAGGACCGGACAGACATCATCTTTGAGGTGGGAGACGAGCAGCAGCTGAATTCATG[G>T]ATGGCTGAGCTCTCGGAGTGCACAGGCCGAGGGTGAGGTCCTGGGCCCTCGTCCCTGGCA-3'
Protein context (NP_005466.1, residues 288-308): EVGDEQQLNS[Trp298Cys]MAELSECTGR